The following is an entry in ClinVar:

NM_001145358.2(SIN3A):c.2748A>C (p.Gln916His)

Gene: SIN3A (SIN3 transcription regulator family member A; minus strand). Cytogenetic location: 15q24.2.
Variant type: single nucleotide variant.
Coding change: c.2748A>C on transcript NM_001145358.2 (MANE Select); coding-DNA position 2748, A replaced by C.
Protein change: p.Gln916His; replaces glutamine 916 with histidine.
Molecular consequence: missense variant.
Genome position (GRCh38, 1-based): chr15:75,392,345, T>G on the plus strand (A>C on the coding strand, the complement: SIN3A is on the minus strand). VCF-style: chr15-75392345-T-G. GRCh37 (hg19) VCF-style: chr15-75684686-T-G.
Other names: c.2748A>C, p.Gln916His (NM_001145357.2, NM_015477.3); short protein forms Q916H.
Identifiers: ClinVar variation 3686517 (VCV003686517.2).

ClinVar aggregate classification (germline): Uncertain significance (1 of 4 stars; one submission).

Submission:

Labcorp Genetics (formerly Invitae), Labcorp
Classification: Uncertain significance. Last evaluated: 2024-06-28. Review status: criteria provided, single submitter. Criteria: Invitae Variant Classification Sherloc (09022015). Collection method: clinical testing. Allele origin: germline.
Comment: This sequence change replaces glutamine, which is neutral and polar, with histidine, which is basic and polar, at codon 916 of the SIN3A protein (p.Gln916His). This variant is not present in population databases (gnomAD no frequency). This variant has not been reported in the literature in individuals affected with SIN3A-related conditions. Advanced modeling of protein sequence and biophysical properties (such as structural, functional, and spatial information, amino acid conservation, physicochemical variation, residue mobility, and thermodynamic stability) performed at Invitae indicates that this missense variant is not expected to disrupt SIN3A protein function with a negative predictive value of 80%. In summary, the available evidence is currently insufficient to determine the role of this variant in disease. Therefore, it has been classified as a Variant of Uncertain Significance.